The following is an entry in ClinVar:

NM_001083116.3(PRF1):c.1025C>T (p.Thr342Ile)

Gene: PRF1 (perforin 1; minus strand). Cytogenetic location: 10q22.1.
Variant type: single nucleotide variant.
Coding change: c.1025C>T on transcript NM_001083116.3 (MANE Select); coding-DNA position 1025, C replaced by T.
Protein change: p.Thr342Ile; replaces threonine 342 with isoleucine.
Molecular consequence: missense variant.
Genome position (GRCh38, 1-based): chr10:70,598,696, G>A on the plus strand (C>T on the coding strand, the complement: PRF1 is on the minus strand). VCF-style: chr10-70598696-G-A. GRCh37 (hg19) VCF-style: chr10-72358452-G-A.
Other names: c.1025C>T, p.Thr342Ile (NM_005041.6); short protein forms T342I.
Identifiers: ClinVar variation 1919657 (VCV001919657.7), dbSNP rs1848170506, ClinGen allele CA376957472.

ClinVar aggregate classification (germline): Uncertain significance. Review status: criteria provided, multiple submitters, no conflicts (2 of 4 stars). 2 submissions from 2 submitters: Uncertain significance (2). Last evaluated 2024-10-28.

Conditions:
Familial hemophagocytic lymphohistiocytosis 2 (FHL2). Also called: PRF1-Related Familial Hemophagocytic Lymphohistiocytosis (PRF1-fHLH). Identifiers: Orphanet 540, MedGen C1863727, MONDO:0011337, OMIM 603553.

Allele frequency attached by ClinVar (database versions not stated): gnomAD 0.00001.
gnomAD v4.1: 2 of 1,614,026 alleles (0.00012%); highest among the groups gnomAD compares: African/African-American, 0.0013%; no homozygotes.

Submissions (2):

Labcorp Genetics (formerly Invitae), Labcorp
Classification: Uncertain significance for Familial hemophagocytic lymphohistiocytosis 2. Last evaluated: 2024-10-28. Review status: criteria provided, single submitter. Criteria: Invitae Variant Classification Sherloc (09022015). Collection method: clinical testing. Allele origin: germline.
Comment: This sequence change replaces threonine, which is neutral and polar, with isoleucine, which is neutral and non-polar, at codon 342 of the PRF1 protein (p.Thr342Ile). This variant is not present in population databases (gnomAD no frequency). This variant has not been reported in the literature in individuals affected with PRF1-related conditions. ClinVar contains an entry for this variant (Variation ID: 1919657). Invitae Evidence Modeling of protein sequence and biophysical properties (such as structural, functional, and spatial information, amino acid conservation, physicochemical variation, residue mobility, and thermodynamic stability) indicates that this missense variant is expected to disrupt PRF1 protein function with a positive predictive value of 95%. In summary, the available evidence is currently insufficient to determine the role of this variant in disease. Therefore, it has been classified as a Variant of Uncertain Significance.

Genomic Medicine Center of Excellence, King Faisal Specialist Hospital and Research Centre
Classification: Uncertain significance for Familial hemophagocytic lymphohistiocytosis 2. Last evaluated: 2024-03-25. Review status: criteria provided, single submitter. Criteria: ACMG Guidelines, 2015. Collection method: research. Allele origin: germline.